The following is an entry in ClinVar:

ClinVar aggregate classification (germline): Uncertain significance. Review status: criteria provided, multiple submitters, no conflicts (2 of 4 stars). 2 submissions from 2 submitters: Uncertain significance (2). Last evaluated 2024-11-30.

Conditions:
Inborn genetic diseases. Identifiers: MedGen C0950123, MeSH D030342.
Fanconi anemia (FA). Also called: Fanconi's anemia. Identifiers: Orphanet 84, MedGen C0015625, MeSH D005199, MONDO:0019391.

Allele frequency attached by ClinVar (database versions not stated): TOPMed 0.00001.
gnomAD v4.1: 5 of 1,551,292 alleles (0.00032%); highest among the groups gnomAD compares: African/African-American, 0.0055%; no homozygotes.

Submissions (2):

Ambry Genetics
Classification: Uncertain significance for Inborn genetic diseases. Last evaluated: 2024-11-30. Review status: criteria provided, single submitter. Criteria: Ambry Variant Classification Scheme 2023. Collection method: clinical testing. Allele origin: germline.
Comment: The p.Q1326E variant (also known as c.3976C>G), located in coding exon 40 of the FANCA gene, results from a C to G substitution at nucleotide position 3976. The glutamine at codon 1326 is replaced by glutamic acid, an amino acid with highly similar properties. This amino acid position is conserved. In addition, this alteration is predicted to be tolerated by in silico analysis. Based on the available evidence, the clinical significance of this variant remains unclear.

Labcorp Genetics (formerly Invitae), Labcorp
Classification: Uncertain significance for Fanconi anemia. Last evaluated: 2021-10-14. Review status: criteria provided, single submitter. Criteria: Invitae Variant Classification Sherloc (09022015). Collection method: clinical testing. Allele origin: germline.
Comment: This sequence change replaces glutamine with glutamic acid at codon 1326 of the FANCA protein (p.Gln1326Glu). The glutamine residue is moderately conserved and there is a small physicochemical difference between glutamine and glutamic acid. This variant is not present in population databases (ExAC no frequency). This variant has not been reported in the literature in individuals affected with FANCA-related conditions. Algorithms developed to predict the effect of missense changes on protein structure and function (SIFT, PolyPhen-2, Align-GVGD) all suggest that this variant is likely to be tolerated. In summary, the available evidence is currently insufficient to determine the role of this variant in disease. Therefore, it has been classified as a Variant of Uncertain Significance.

NM_000135.4(FANCA):c.3976C>G (p.Gln1326Glu)

Genes: FANCA (FA complementation group A; minus strand), ZNF276 (zinc finger protein 276; plus strand). Cytogenetic location: 16q24.3.
Variant type: single nucleotide variant.
Coding change: c.3976C>G on transcript NM_000135.4 (MANE Select); coding-DNA position 3976, C replaced by G.
Protein change: p.Gln1326Glu; replaces glutamine 1326 with glutamic acid.
Molecular consequence: missense variant. On other transcripts: 3 prime UTR variant (2), non-coding transcript variant (4).
Genome position (GRCh38, 1-based): chr16:89,739,512, G>C on the plus strand (C>G on the coding strand, the complement: FANCA is on the minus strand). VCF-style: chr16-89739512-G-C. GRCh37 (hg19) VCF-style: chr16-89805920-G-C.
Other names: c.*1266G>C (NM_001113525.2, NM_152287.4); c.3976C>G, p.Gln1326Glu (NM_001286167.3); short protein forms Q1326E.
Identifiers: ClinVar variation 2181489 (VCV002181489.2), dbSNP rs764620351, ClinGen allele CA397484804.